The following is an entry in ClinVar:

ClinVar aggregate classification (germline): Uncertain significance (1 of 4 stars; one submission).

Conditions:
Cutis laxa, X-linked (OHS). Also called: EDS IX; Occipital horn syndrome. Identifiers: Orphanet 198, MedGen C0268353, MONDO:0010572, OMIM 304150.
X-linked distal spinal muscular atrophy type 3. Also called: ATP7A-Related Distal Motor Neuropathy; NEURONOPATHY, DISTAL HEREDITARY MOTOR, X-LINKED; NEUROPATHY, DISTAL HEREDITARY MOTOR, X-LINKED; SPINAL MUSCULAR ATROPHY, DISTAL, X-LINKED RECESSIVE. Identifiers: Orphanet 139557, MedGen C1845359, MONDO:0010338, OMIM 300489.
Menkes kinky-hair syndrome (MNK). Also called: Classic Menkes Disease; Menkes Disease; Copper transport disease. Identifiers: Orphanet 565, MedGen C0022716, MONDO:0010651, OMIM 309400.

Submission:

Labcorp Genetics (formerly Invitae), Labcorp
Classification: Uncertain significance for X-linked distal spinal muscular atrophy type 3; Cutis laxa, X-linked; Menkes kinky-hair syndrome. Last evaluated: 2018-11-28. Review status: criteria provided, single submitter. Criteria: Invitae Variant Classification Sherloc (09022015). Collection method: clinical testing. Allele origin: germline.
Comment: This sequence change replaces isoleucine with phenylalanine at codon 1242 of the ATP7A protein (p.Ile1242Phe). The isoleucine residue is moderately conserved and there is a small physicochemical difference between isoleucine and phenylalanine. This variant is not present in population databases (ExAC no frequency). In summary, the available evidence is currently insufficient to determine the role of this variant in disease. Therefore, it has been classified as a Variant of Uncertain Significance. Algorithms developed to predict the effect of missense changes on protein structure and function are either unavailable or do not agree on the potential impact of this missense change (SIFT: "Tolerated"; PolyPhen-2: "Possibly Damaging"; Align-GVGD: "Class C0"). This variant has not been reported in the literature in individuals with ATP7A-related conditions.

NM_000052.7(ATP7A):c.3724A>T (p.Ile1242Phe)

Gene: ATP7A (ATPase copper transporting alpha; plus strand). Cytogenetic location: Xq21.1.
Variant type: single nucleotide variant.
Coding change: c.3724A>T on transcript NM_000052.7 (MANE Select); coding-DNA position 3724, A replaced by T.
Protein change: p.Ile1242Phe; replaces isoleucine 1242 with phenylalanine.
Molecular consequence: missense variant. On other transcripts: non-coding transcript variant (1).
Genome position (GRCh38, 1-based): chrX:78,040,656, A>T. VCF-style: chrX-78040656-A-T. GRCh37 (hg19) VCF-style: chrX-77296154-A-T.
Other names: c.3490A>T, p.Ile1164Phe (NM_001282224.2); short protein forms I1164F, I1242F.
Identifiers: ClinVar variation 655202 (VCV000655202.9), dbSNP rs1603390828, ClinGen allele CA413604827.